The following is an entry in ClinVar:

ClinVar aggregate classification (germline): Uncertain significance (1 of 4 stars; one submission).

Submission:

GeneDx
Classification: Uncertain significance. Last evaluated: 2024-03-05. Review status: criteria provided, single submitter. Criteria: GeneDx Variant Classification Process June 2021. Collection method: clinical testing. Allele origin: germline. Affected: yes.
Comment: Not observed at significant frequency in large population cohorts (gnomAD); In silico analysis supports that this missense variant has a deleterious effect on protein structure/function; Has not been previously published as pathogenic or benign to our knowledge

NM_006035.4(CDC42BPB):c.218G>C (p.Arg73Pro)

Gene: CDC42BPB (CDC42 binding protein kinase beta; minus strand). Cytogenetic location: 14q32.32.
Variant type: single nucleotide variant.
Coding change: c.218G>C on transcript NM_006035.4 (MANE Select); coding-DNA position 218, G replaced by C.
Protein change: p.Arg73Pro; replaces arginine 73 with proline.
Molecular consequence: missense variant.
Genome position (GRCh38, 1-based): chr14:103,012,146, C>G on the plus strand (G>C on the coding strand, the complement: CDC42BPB is on the minus strand). VCF-style: chr14-103012146-C-G. GRCh37 (hg19) VCF-style: chr14-103478483-C-G.
Other names: c.218G>C, p.Arg73Pro (NM_001411054.1); short protein forms R73P.
Identifiers: ClinVar variation 3370544 (VCV003370544.1).